The following is an entry in ClinVar:

Single allele

Gene: DMD (dystrophin; minus strand). Cytogenetic location: Xp21.1.
Variant type: Duplication.
Identifiers: ClinVar variation 1807248 (VCV001807248.1).

ClinVar aggregate classification (germline): Pathogenic (1 of 4 stars; one submission).

Submission:

Athena Diagnostics
Classification: Pathogenic. Last evaluated: 2021-07-30. Review status: criteria provided, single submitter. Criteria: Athena Diagnostics Criteria. Collection method: clinical testing. Allele origin: unknown.
Comment: This variant is likely to be inserted in tandem within the DMD gene and would maintain the transcript's reading frame, but is expected to disrupt protein function. Similar duplications of exons 3-4 have been reported in multiple unrelated patients with Duchenne muscular dystrophy (DMD), Becker muscular dystrophy (BMD), and intermediate dystrophinopathies. Similar variants have not been reported in large, multi-ethnic general populations.

Literature cited by the submitters: PubMed 15684864; PubMed 17259292; PubMed 2316519; PubMed 19367636; PubMed 19937601; PubMed 12111668; PubMed 33644936; PubMed 18752307; PubMed 29604111; PubMed 27593222; PubMed 32194622; PubMed 25972034; PubMed 21515508; PubMed 29973226; PubMed 33238405; PubMed 33101180; PubMed 21896784; PubMed 16917894.